The following is an entry in ClinVar:

ClinVar aggregate classification (germline): Benign/Likely benign. Review status: criteria provided, multiple submitters, no conflicts (2 of 4 stars). 11 submissions from 11 submitters: Benign (2); Likely benign (8). 1 of the submissions does not count toward it. Last evaluated 2026-02-01.

Conditions:
Hereditary cancer-predisposing syndrome. Also called: Hereditary Cancer Syndrome; Neoplastic Syndromes, Hereditary; Tumor predisposition; Hereditary neoplastic syndrome. Identifiers: Orphanet 140162, MedGen C0027672, MeSH D009386, MONDO:0015356.
Familial melanoma. Also called: Hereditary melanoma; Hereditary cutaneous melanoma. Identifiers: Orphanet 618, MedGen C1512419, MONDO:0018961.
Melanoma-pancreatic cancer syndrome. Identifiers: Orphanet 404560, MedGen C1838547, MONDO:0011713, OMIM 606719. Disease mechanism: loss of function.

Allele frequency attached by ClinVar (database versions not stated): gnomAD 0.00113 and 0.00134; ExAC 0.00175; 1000 Genomes Project 0.00020; 1000 Genomes Project 30x 0.00047; gnomAD exomes 0.00119; TOPMed 0.00122.
gnomAD v4.1: 2,227 of 1,515,778 alleles (0.15%); highest among the groups gnomAD compares: Non-Finnish European, 0.17%; 5 homozygotes.

Submissions (11):

CeGaT Center for Human Genetics Tuebingen
Classification: Likely benign. Last evaluated: 2026-02-01. Review status: criteria provided, single submitter. Criteria: CeGaT Center For Human Genetics Tuebingen Variant Classification Criteria Version 2. Collection method: clinical testing. Allele origin: germline. Affected: yes. Observed: 14 variant alleles.
Comment: CDKN2A: BS1

Labcorp Genetics (formerly Invitae), Labcorp
Classification: Benign for Familial melanoma. Last evaluated: 2025-11-17. Review status: criteria provided, single submitter. Criteria: Invitae Variant Classification Sherloc (09022015). Collection method: clinical testing. Allele origin: germline.

Center for Genomic Medicine, Rigshospitalet, Copenhagen University Hospital
Classification: Likely benign. Last evaluated: 2025-03-04. Review status: criteria provided, single submitter. Criteria: ACMG Guidelines, 2015. Collection method: clinical testing. Allele origin: germline.

Blueprint Genetics
Classification: Likely benign. Last evaluated: 2024-11-25. Review status: criteria provided, single submitter. Criteria: ACMG Guidelines, 2015. Collection method: clinical testing. Allele origin: germline.

Sema4
Classification: Likely benign for Hereditary cancer-predisposing syndrome. Last evaluated: 2021-06-11. Review status: criteria provided, single submitter. Criteria: Sema4 Curation Guidelines. Collection method: curation. Allele origin: germline.

Color Diagnostics, LLC DBA Color Health
Classification: Likely benign for Hereditary cancer-predisposing syndrome. Last evaluated: 2019-11-01. Review status: criteria provided, single submitter. Criteria: ACMG Guidelines, 2015. Collection method: clinical testing. Allele origin: germline.

Mendelics
Classification: Likely benign for Melanoma-pancreatic cancer syndrome. Last evaluated: 2019-05-28. Review status: criteria provided, single submitter. Criteria: Mendelics Assertion Criteria 2017. Collection method: clinical testing. Allele origin: unknown.

PreventionGenetics, part of Exact Sciences
Classification: Likely benign. Last evaluated: 2016-12-12. Review status: criteria provided, single submitter. Criteria: ACMG Guidelines, 2015. Collection method: clinical testing. Allele origin: germline.

Ambry Genetics
Classification: Likely benign for Hereditary cancer-predisposing syndrome. Last evaluated: 2015-10-06. Review status: criteria provided, single submitter. Criteria: Ambry Variant Classification Scheme 2023. Collection method: clinical testing. Allele origin: germline.

GeneDx
Classification: Benign. Last evaluated: 2015-03-03. Review status: criteria provided, single submitter. Criteria: GeneDx Variant Classification Process June 2021. Collection method: clinical testing. Allele origin: germline. Affected: yes.
Comment: This variant is associated with the following publications: (PMID: 28830827, 28135145)

Counsyl
Classification: Likely benign for Melanoma-pancreatic cancer syndrome. Last evaluated: 2018-02-09. Review status: no assertion criteria provided. Collection method: clinical testing. Allele origin: unknown. Not counted in ClinVar's aggregate classification.

Literature cited by the submitters: PubMed 9425228 (cited by Counsyl); PubMed 25780468 (cited by Counsyl); PubMed 20093296 (cited by Counsyl); PubMed 21150883 (cited by Counsyl); PubMed 18178632 (cited by Counsyl); PubMed 17218939 (cited by Counsyl).

NM_058195.4(CDKN2A):c.194-3652G>C

Genes: CDKN2A (cyclin dependent kinase inhibitor 2A; minus strand), LOC130001603 (ATAC-STARR-seq lymphoblastoid silent region 19811; plus strand). Cytogenetic location: 9p21.3.
Variant type: single nucleotide variant.
Coding change: c.194-3652G>C on transcript NM_058195.4 (MANE Plus Clinical); 3652 bases into the intron before coding-DNA position 194, G replaced by C.
Molecular consequence: intron variant.
Genome position (GRCh38, 1-based): chr9:21,974,860, C>G on the plus strand (G>C on the coding strand, the complement: CDKN2A is on the minus strand). VCF-style: chr9-21974860-C-G. GRCh37 (hg19) VCF-style: chr9-21974859-C-G.
Other names: c.-33G>C (NM_000077.6); c.-3-3652G>C (NM_001363763.2).
Identifiers: ClinVar variation 548857 (VCV000548857.61), dbSNP rs531597737, ClinGen allele CA5012354.